The following is an entry in ClinVar:

NM_145207.3(AFG2A):c.940A>G (p.Ile314Val)

Gene: AFG2A (AAA ATPase AFG2A; plus strand). Cytogenetic location: 4q28.1.
Variant type: single nucleotide variant.
Coding change: c.940A>G on transcript NM_145207.3 (MANE Select); coding-DNA position 940, A replaced by G.
Protein change: p.Ile314Val; replaces isoleucine 314 with valine.
Molecular consequence: missense variant.
Genome position (GRCh38, 1-based): chr4:122,934,531, A>G. VCF-style: chr4-122934531-A-G. GRCh37 (hg19) VCF-style: chr4-123855686-A-G.
Other names: c.937A>G, p.Ile313Val (NM_001317799.2, NM_001345856.2); short protein forms I314V, I313V.
Identifiers: ClinVar variation 1518852 (VCV001518852.8), dbSNP rs796051889, ClinGen allele CA312153.

ClinVar aggregate classification (germline): Conflicting classifications of pathogenicity. Review status: criteria provided, conflicting classifications (1 of 4 stars). 2 submissions from 2 submitters: Uncertain significance (1); Likely benign (1). Last evaluated 2022-10-13.

Conditions:
Inborn genetic diseases. Identifiers: MedGen C0950123, MeSH D030342.
Microcephaly-intellectual disability-sensorineural hearing loss-epilepsy-abnormal muscle tone syndrome (NEDHSB). Also called: NEURODEVELOPMENTAL DISORDER WITH HEARING LOSS, SEIZURES, AND BRAIN ABNORMALITIES. Identifiers: Orphanet 457351, MedGen C4225276, MONDO:0014698, OMIM 616577.

Allele frequency attached by ClinVar (database versions not stated): TOPMed below 0.00001; gnomAD exomes 0.00001 and 0.00002.
gnomAD v4.1: 18 of 1,614,230 alleles (0.0011%); highest among the groups gnomAD compares: Non-Finnish European, 0.0014%; no homozygotes.

Submissions (2):

Labcorp Genetics (formerly Invitae), Labcorp
Classification: Uncertain significance for Microcephaly-intellectual disability-sensorineural hearing loss-epilepsy-abnormal muscle tone syndrome. Last evaluated: 2022-10-13. Review status: criteria provided, single submitter. Criteria: Invitae Variant Classification Sherloc (09022015). Collection method: clinical testing. Allele origin: germline.
Comment: In summary, the available evidence is currently insufficient to determine the role of this variant in disease. Therefore, it has been classified as a Variant of Uncertain Significance. Advanced modeling of protein sequence and biophysical properties (such as structural, functional, and spatial information, amino acid conservation, physicochemical variation, residue mobility, and thermodynamic stability) performed at Invitae indicates that this missense variant is not expected to disrupt SPATA5 protein function. ClinVar contains an entry for this variant (Variation ID: 1518852). This variant has not been reported in the literature in individuals affected with SPATA5-related conditions. This variant is present in population databases (rs796051889, gnomAD 0.003%). This sequence change replaces isoleucine, which is neutral and non-polar, with valine, which is neutral and non-polar, at codon 314 of the SPATA5 protein (p.Ile314Val).

Ambry Genetics
Classification: Likely benign for Inborn genetic diseases. Last evaluated: 2021-12-03. Review status: criteria provided, single submitter. Criteria: Ambry Variant Classification Scheme 2023. Collection method: clinical testing. Allele origin: germline.